The following is an entry in ClinVar:

ClinVar aggregate classification (germline): Uncertain significance. Review status: criteria provided, multiple submitters, no conflicts (2 of 4 stars). 2 submissions from 2 submitters: Uncertain significance (2). Last evaluated 2022-07-19.

Conditions:
Complex cortical dysplasia with other brain malformations 7. Identifiers: Orphanet 300573, MedGen C3552236, MONDO:0012399, OMIM 610031.

Submissions (2):

Labcorp Genetics (formerly Invitae), Labcorp
Classification: Uncertain significance. Last evaluated: 2022-07-19. Review status: criteria provided, single submitter. Criteria: Invitae Variant Classification Sherloc (09022015). Collection method: clinical testing. Allele origin: germline.
Comment: In summary, the available evidence is currently insufficient to determine the role of this variant in disease. Therefore, it has been classified as a Variant of Uncertain Significance. Algorithms developed to predict the effect of missense changes on protein structure and function (SIFT, PolyPhen-2, Align-GVGD) all suggest that this variant is likely to be disruptive. ClinVar contains an entry for this variant (Variation ID: 1397648). This variant has not been reported in the literature in individuals affected with TUBB2B-related conditions. This variant is not present in population databases (gnomAD no frequency). This sequence change replaces asparagine, which is neutral and polar, with lysine, which is basic and polar, at codon 247 of the TUBB2B protein (p.Asn247Lys).

Revvity Omics, Revvity
Classification: Uncertain significance for Complex cortical dysplasia with other brain malformations 7. Last evaluated: 2022-04-01. Review status: criteria provided, single submitter. Criteria: ACMG Guidelines, 2015. Collection method: clinical testing. Allele origin: germline.

NM_178012.5(TUBB2B):c.741C>G (p.Asn247Lys)

Gene: TUBB2B (tubulin beta 2B class IIb; minus strand). Cytogenetic location: 6p25.2.
Variant type: single nucleotide variant.
Coding change: c.741C>G on transcript NM_178012.5 (MANE Select); coding-DNA position 741, C replaced by G.
Protein change: p.Asn247Lys; replaces asparagine 247 with lysine.
Molecular consequence: missense variant.
Genome position (GRCh38, 1-based): chr6:3,225,348, G>C on the plus strand (C>G on the coding strand, the complement: TUBB2B is on the minus strand). VCF-style: chr6-3225348-G-C. GRCh37 (hg19) VCF-style: chr6-3225582-G-C.
Other names: short protein forms N247K.
Identifiers: ClinVar variation 1397648 (VCV001397648.10), dbSNP rs1454173126, ClinGen allele CA362587166.
Genomic context (GRCh38, chr6:3,225,348, plus strand): 5'-CATGAAGAAGTGCAGGCGAGGGAAGGGCACCATGTTCACCGCCAGCTTGCGCAGGTCTGC[G>C]TTCAGCTGGCCCGGGAAGCGCAGGCAGGTGGTGACCCCGCTCATGGTGGCCGACACCAGG-3'
Protein context (NP_821080.1, residues 237-257): TTCLRFPGQL[Asn247Lys]ADLRKLAVNM